The following is an entry in ClinVar:

NM_002582.4(PARN):c.635T>C (p.Leu212Pro)

Gene: PARN (poly(A)-specific ribonuclease; minus strand). Cytogenetic location: 16p13.12.
Variant type: single nucleotide variant.
Coding change: c.635T>C on transcript NM_002582.4 (MANE Select); coding-DNA position 635, T replaced by C.
Protein change: p.Leu212Pro; replaces leucine 212 with proline.
Molecular consequence: missense variant.
Genome position (GRCh38, 1-based): chr16:14,608,305, A>G on the plus strand (T>C on the coding strand, the complement: PARN is on the minus strand). VCF-style: chr16-14608305-A-G. GRCh37 (hg19) VCF-style: chr16-14702162-A-G.
Other names: c.452T>C, p.Leu151Pro (NM_001134477.3); c.497T>C, p.Leu166Pro (NM_001242992.2); short protein forms L151P, L166P, L212P.
Identifiers: ClinVar variation 3757071 (VCV003757071.2).

ClinVar aggregate classification (germline): Uncertain significance (1 of 4 stars; one submission).

Conditions:
Dyskeratosis congenita, autosomal recessive 6 (DKCB6). Identifiers: MedGen C4225356, MONDO:0014600, OMIM 616353.
Pulmonary fibrosis and/or bone marrow failure, Telomere-related, 4. Also called: PULMONARY FIBROSIS AND/OR BONE MARROW FAILURE SYNDROME, TELOMERE-RELATED, 4. Identifiers: Orphanet 2032, MedGen C4225347, MONDO:0014612, OMIM 616371.

Submission:

Labcorp Genetics (formerly Invitae), Labcorp
Classification: Uncertain significance for Dyskeratosis congenita, autosomal recessive 6; Pulmonary fibrosis and/or bone marrow failure, Telomere-related, 4. Last evaluated: 2024-07-12. Review status: criteria provided, single submitter. Criteria: Invitae Variant Classification Sherloc (09022015). Collection method: clinical testing. Allele origin: germline.
Comment: This sequence change replaces leucine, which is neutral and non-polar, with proline, which is neutral and non-polar, at codon 212 of the PARN protein (p.Leu212Pro). This variant is not present in population databases (gnomAD no frequency). This variant has not been reported in the literature in individuals affected with PARN-related conditions. Advanced modeling of protein sequence and biophysical properties (such as structural, functional, and spatial information, amino acid conservation, physicochemical variation, residue mobility, and thermodynamic stability) performed at Invitae indicates that this missense variant is expected to disrupt PARN protein function with a positive predictive value of 80%. In summary, the available evidence is currently insufficient to determine the role of this variant in disease. Therefore, it has been classified as a Variant of Uncertain Significance.